The following is an entry in ClinVar:

ClinVar aggregate classification (germline): Uncertain significance (1 of 4 stars; one submission).

gnomAD v4.1: 1 of 1,613,774 alleles (0.000062%); highest among the groups gnomAD compares: Admixed American, 0.0017%; no homozygotes.

Submission:

Labcorp Genetics (formerly Invitae), Labcorp
Classification: Uncertain significance. Last evaluated: 2024-06-04. Review status: criteria provided, single submitter. Criteria: Invitae Variant Classification Sherloc (09022015). Collection method: clinical testing. Allele origin: germline.
Comment: This sequence change replaces arginine, which is basic and polar, with serine, which is neutral and polar, at codon 1576 of the RAI1 protein (p.Arg1576Ser). This variant is present in population databases (no rsID available, gnomAD 0.003%). This variant has not been reported in the literature in individuals affected with RAI1-related conditions. Advanced modeling of protein sequence and biophysical properties (such as structural, functional, and spatial information, amino acid conservation, physicochemical variation, residue mobility, and thermodynamic stability) performed at Invitae indicates that this missense variant is not expected to disrupt RAI1 protein function with a negative predictive value of 80%. In summary, the available evidence is currently insufficient to determine the role of this variant in disease. Therefore, it has been classified as a Variant of Uncertain Significance.

NM_030665.4(RAI1):c.4726C>A (p.Arg1576Ser)

Gene: RAI1 (retinoic acid induced 1; plus strand). Cytogenetic location: 17p11.2.
Variant type: single nucleotide variant.
Coding change: c.4726C>A on transcript NM_030665.4 (MANE Select); coding-DNA position 4726, C replaced by A.
Protein change: p.Arg1576Ser; replaces arginine 1576 with serine.
Molecular consequence: missense variant.
Genome position (GRCh38, 1-based): chr17:17,797,674, C>A. VCF-style: chr17-17797674-C-A. GRCh37 (hg19) VCF-style: chr17-17700988-C-A.
Other names: short protein forms R1576S.
Identifiers: ClinVar variation 3655478 (VCV003655478.2).
Genomic context (GRCh38, chr17:17,797,674, plus strand): 5'-CGTGCCAAGCGACGACGACAGCAGCAGGTGCTGCCCCTGGATCCCGCAGAGCCTGAAATC[C>A]GCCTCAAGTACATTTCCTCTTGCAAGCGGCTGAGGTCAGACAGCCGGACCCCCGCCTTCT-3'
Protein context (NP_109590.3, residues 1566-1586): LPLDPAEPEI[Arg1576Ser]LKYISSCKRL